The following is an entry in ClinVar:

NM_206933.4(USH2A):c.9571-2A>G

Gene: USH2A (usherin; minus strand). Cytogenetic location: 1q41.
Variant type: single nucleotide variant.
Coding change: c.9571-2A>G on transcript NM_206933.4 (MANE Select); the canonical splice acceptor site of the intron before coding-DNA position 9571, A replaced by G.
Molecular consequence: splice acceptor variant.
Genome position (GRCh38, 1-based): chr1:215,813,906, T>C on the plus strand (A>G on the coding strand, the complement: USH2A is on the minus strand). VCF-style: chr1-215813906-T-C. GRCh37 (hg19) VCF-style: chr1-215987248-T-C.
Other names: c.9571-2A>G (NM_206933.3).
Identifiers: ClinVar variation 438033 (VCV000438033.23), dbSNP rs751111524, ClinGen allele CA1394268.

ClinVar aggregate classification (germline): Pathogenic/Likely pathogenic. Review status: criteria provided, multiple submitters, no conflicts (2 of 4 stars). 13 submissions from 12 submitters: Pathogenic (8); Likely pathogenic (3). 2 of the submissions do not count toward it. Last evaluated 2025-11-27.

Conditions:
Usher syndrome. Also called: Usher Syndromes; Usher's syndrome. Identifiers: Orphanet 886, MedGen CN469326, MeSH D052245, MONDO:0019501. Disease mechanism: loss of function.
USH2A-related disorder. Also called: USH2A-related disorders; USH2A-related condition. Identifiers: MedGen CN239332.
Retinitis pigmentosa 39 (RP39). Identifiers: Orphanet 791, MedGen C3151138, MONDO:0013436, OMIM 613809.
Usher syndrome type 2A. Also called: RETINAL DISEASE IN USHER SYNDROME TYPE IIA, MODIFIER OF; USHER SYNDROME, TYPE IIA. Identifiers: Orphanet 231178, Orphanet 886, MedGen C1848634, MONDO:0010169, OMIM 276901.
Retinitis pigmentosa (RP). Identifiers: Orphanet 791, MedGen C0035334, MeSH D012174, MONDO:0019200, OMIM 268000. Inheritance: Autosomal dominant, autosomal recessive and X linked inheritance.

Allele frequency attached by ClinVar (database versions not stated): gnomAD exomes 0.00001 and 0.00004; ExAC 0.00002; TOPMed 0.00002; gnomAD 0.00003.
gnomAD v4.1: 58 of 1,613,482 alleles (0.0036%); highest among the groups gnomAD compares: Non-Finnish European, 0.0047%; no homozygotes.

Submissions (13):

Natera, Inc.
Classification: Pathogenic for Usher syndrome type 2A. Last evaluated: 2025-11-27. Review status: criteria provided, single submitter. Criteria: Natera Variant Classification Schema (03/2026). Collection method: clinical testing. Allele origin: germline.
Comment: The c.9571-2A>G variant in USH2A is a canonical splice acceptor site variant predicted to affect pre-mRNA splicing, which may result in an abnormal transcript and altered protein product. This variant is expected to result in nonsense mediated decay, truncation, or a dysfunctional protein product. This variant is rare in the general population with a frequency below the threshold expected for the associated phenotype(s). This variant has been observed in one or more individuals affected with the associated recessive disease, as either homozygous or compound heterozygous with a second variant (PMID: 28559085, 28981474). Another variant at this same site results in an alteration predicted to cause a similar molecular effect has been observed in individual(s) with the associated phenotype. Given the available evidence, this variant is classified as Pathogenic.

Labcorp Genetics (formerly Invitae), Labcorp
Classification: Pathogenic. Last evaluated: 2025-11-25. Review status: criteria provided, single submitter. Criteria: Invitae Variant Classification Sherloc (09022015). Collection method: clinical testing. Allele origin: germline.
Comment: This sequence change affects an acceptor splice site in intron 48 of the USH2A gene. It is expected to disrupt RNA splicing. Variants that disrupt the donor or acceptor splice site typically lead to a loss of protein function (PMID: 16199547), and loss-of-function variants in USH2A are known to be pathogenic (PMID: 10729113, 10909849, 20507924, 25649381). This variant is present in population databases (rs751111524, gnomAD 0.004%). Disruption of this splice site has been observed in individuals with retinitis pigmentosa (PMID: 28041643, 28559085, 28981474). ClinVar contains an entry for this variant (Variation ID: 438033). Algorithms developed to predict the effect of sequence changes on RNA splicing suggest that this variant may disrupt the consensus splice site. For these reasons, this variant has been classified as Pathogenic.

PreventionGenetics, part of Exact Sciences
Classification: Pathogenic for USH2A-related condition. Last evaluated: 2025-10-22. Review status: criteria provided, single submitter. Criteria: ACMG Guidelines, 2015. Collection method: clinical testing. Allele origin: germline.
Comment: The USH2A c.9571-2A>G variant is predicted to disrupt the AG splice acceptor site and interfere with normal splicing. This variant has been reported along with a second USH2A variant in individuals with retinitis pigmentosa (see for examples: Table S2, Carss et al. 2017. PubMed ID: 28041643; Table S1, Comander et al. 2017. PubMed ID: 28981474; Table S1, Lin et al. 2024. PubMed ID: 38219857). This variant is present in 0.0040% of alleles in individuals of African descent in gnomAD. Variants that disrupt the consensus splice acceptor site in USH2A are an established mechanism of disease. This variant is interpreted as pathogenic.

GeneDx
Classification: Pathogenic. Last evaluated: 2025-05-02. Review status: criteria provided, single submitter. Criteria: GeneDx Variant Classification Process June 2021. Collection method: clinical testing. Allele origin: germline. Affected: yes.
Comment: Canonical splice site variant predicted to result in a null allele in a gene for which loss of function is a known mechanism of disease; Not observed at significant frequency in large population cohorts (gnomAD); This variant is associated with the following publications: (PMID: 31964843, 28041643, 28559085, 32037395, 28981474, 31980526, 32581362)

Fulgent Genetics
Classification: Pathogenic for Usher syndrome type 2A; Retinitis pigmentosa 39. Last evaluated: 2024-04-04. Review status: criteria provided, single submitter. Criteria: ACMG Guidelines, 2015. Collection method: clinical testing. Allele origin: germline.

Baylor Genetics
Classification: Pathogenic for Retinitis pigmentosa 39. Last evaluated: 2024-03-20. Review status: criteria provided, single submitter. Criteria: ACMG Guidelines, 2015. Collection method: clinical testing. Allele origin: unknown.

Genome-Nilou Lab
Classification: Likely pathogenic for Retinitis pigmentosa 39. Last evaluated: 2023-04-11. Review status: criteria provided, single submitter. Criteria: ACMG Guidelines, 2015. Collection method: clinical testing. Allele origin: germline. Affected: no.

Genome-Nilou Lab
Classification: Likely pathogenic for Usher syndrome type 2A. Last evaluated: 2023-04-11. Review status: criteria provided, single submitter. Criteria: ACMG Guidelines, 2015. Collection method: clinical testing. Allele origin: germline. Affected: no.

Revvity Omics, Revvity
Classification: Likely pathogenic. Last evaluated: 2022-09-26. Review status: criteria provided, single submitter. Criteria: ACMG Guidelines, 2015. Collection method: clinical testing. Allele origin: germline.

Women's Health and Genetics/Laboratory Corporation of America, LabCorp
Classification: Pathogenic for Usher syndrome. Last evaluated: 2022-04-27. Review status: criteria provided, single submitter. Criteria: LabCorp Variant Classification Summary - May 2015. Collection method: clinical testing. Allele origin: germline.
Comment: Variant summary: USH2A c.9571-2A>G alters a conserved nucleotide located in a canonical splice-site and is predicted to affect mRNA splicing resulting in a significantly altered protein due to either exon skipping, shortening, or inclusion of intronic material. Several computational tools predict a significant impact on normal splicing: Four predict the variant abolishes the canonical 3' splice acceptor site. However, these predictions have yet to be confirmed by functional studies. The variant allele was found at a frequency of 1.2e-05 in 250638 control chromosomes. c.9571-2A>G has been reported in the literature as compound heterozygous genotypes in multiple individuals affected with features of Usher Syndrome such as Inherited Retinal Disease (example, Stone_2017, Carss_2017, Comander_2017). These data indicate that the variant is likely to be associated with disease. To our knowledge, no experimental evidence demonstrating an impact on protein function has been reported. Five clinical diagnostic laboratories have submitted clinical-significance assessments for this variant to ClinVar after 2014 without evidence for independent evaluation. All laboratories classified the variant as pathogenic/likely pathogenic. Based on the evidence outlined above, the variant was classified as pathogenic.

Blueprint Genetics
Classification: Pathogenic for USH2A-related disorders. Last evaluated: 2019-04-03. Review status: criteria provided, single submitter. Criteria: ACMG Guidelines, 2015. Collection method: clinical testing. Allele origin: germline. Affected: yes. Observed: 3 variant alleles.

Counsyl
Classification: Pathogenic for Usher syndrome type 2A; Retinitis pigmentosa 39. Last evaluated: 2017-11-17. Review status: no assertion criteria provided. Collection method: clinical testing. Allele origin: unknown. Not counted in ClinVar's aggregate classification.

NIHR Bioresource Rare Diseases, University of Cambridge
Classification: Likely pathogenic for Retinitis pigmentosa. Last evaluated: 2015-01-01. Review status: no assertion criteria provided. Collection method: research. Allele origin: unknown. Affected: yes. Observed: 2 variant alleles. Not counted in ClinVar's aggregate classification.

Literature cited by the submitters: PubMed 28559085 (cited by 3 submitters); PubMed 28981474 (cited by 3 submitters); PubMed 16199547 (cited by Labcorp Genetics (formerly Invitae), Labcorp); PubMed 10729113 (cited by Labcorp Genetics (formerly Invitae), Labcorp); PubMed 10909849 (cited by Labcorp Genetics (formerly Invitae), Labcorp); PubMed 20507924 (cited by Labcorp Genetics (formerly Invitae), Labcorp); PubMed 25649381 (cited by Labcorp Genetics (formerly Invitae), Labcorp); PubMed 28041643 (cited by 4 submitters).